The following is an entry in ClinVar:

ClinVar aggregate classification (germline): Uncertain significance. Review status: criteria provided, multiple submitters, no conflicts (2 of 4 stars). 3 submissions from 3 submitters: Uncertain significance (3). Last evaluated 2024-12-18.

Conditions:
Dyskeratosis congenita. Identifiers: Orphanet 1775, MedGen C0265965, MONDO:0015780.
Dyskeratosis congenita, autosomal dominant 2. Identifiers: MedGen C3151443, MONDO:0013521, OMIM 613989.
Idiopathic Pulmonary Fibrosis. Also called: Idiopathic fibrosing alveolitis, chronic form; idiopathic fibrosing alveolitis. Identifiers: Orphanet 2032, MedGen C1800706, MeSH D054990, MONDO:0800504.

Allele frequency attached by ClinVar (database versions not stated): gnomAD exomes below 0.00001; gnomAD 0.00001; TOPMed 0.00003.
gnomAD v4.1: 3 of 1,581,138 alleles (0.00019%); highest among the groups gnomAD compares: African/African-American, 0.0013%; no homozygotes.

Submissions (3):

Ambry Genetics
Classification: Uncertain significance for Dyskeratosis congenita. Last evaluated: 2024-12-18. Review status: criteria provided, single submitter. Criteria: Ambry Variant Classification Scheme 2023. Collection method: clinical testing. Allele origin: germline.
Comment: The p.T249M variant (also known as c.746C>T), located in coding exon 2 of the TERT gene, results from a C to T substitution at nucleotide position 746. The threonine at codon 249 is replaced by methionine, an amino acid with similar properties. This amino acid position is poorly conserved in available vertebrate species. In addition, this alteration is predicted to be tolerated by in silico analysis. Based on the available evidence, the clinical significance of this variant remains unclear.

Labcorp Genetics (formerly Invitae), Labcorp
Classification: Uncertain significance for Dyskeratosis congenita, autosomal dominant 2; Idiopathic Pulmonary Fibrosis. Last evaluated: 2024-05-13. Review status: criteria provided, single submitter. Criteria: Invitae Variant Classification Sherloc (09022015). Collection method: clinical testing. Allele origin: germline.
Comment: This sequence change replaces threonine, which is neutral and polar, with methionine, which is neutral and non-polar, at codon 249 of the TERT protein (p.Thr249Met). This variant is not present in population databases (gnomAD no frequency). This variant has not been reported in the literature in individuals affected with TERT-related conditions. ClinVar contains an entry for this variant (Variation ID: 837027). Advanced modeling of protein sequence and biophysical properties (such as structural, functional, and spatial information, amino acid conservation, physicochemical variation, residue mobility, and thermodynamic stability) performed at Invitae indicates that this missense variant is not expected to disrupt TERT protein function with a negative predictive value of 95%. In summary, the available evidence is currently insufficient to determine the role of this variant in disease. Therefore, it has been classified as a Variant of Uncertain Significance.

GeneDx
Classification: Uncertain significance. Last evaluated: 2024-01-31. Review status: criteria provided, single submitter. Criteria: GeneDx Variant Classification Process June 2021. Collection method: clinical testing. Allele origin: germline. Affected: yes.
Comment: Not observed at significant frequency in large population cohorts (gnomAD); In silico analysis supports that this missense variant does not alter protein structure/function; Has not been previously published as pathogenic or benign to our knowledge

NM_198253.3(TERT):c.746C>T (p.Thr249Met)

Gene: TERT (telomerase reverse transcriptase; minus strand). Cytogenetic location: 5p15.33.
Variant type: single nucleotide variant.
Coding change: c.746C>T on transcript NM_198253.3 (MANE Select); coding-DNA position 746, C replaced by T.
Protein change: p.Thr249Met; replaces threonine 249 with methionine.
Molecular consequence: missense variant. On other transcripts: non-coding transcript variant (2).
Genome position (GRCh38, 1-based): chr5:1,294,140, G>A on the plus strand (C>T on the coding strand, the complement: TERT is on the minus strand). VCF-style: chr5-1294140-G-A. GRCh37 (hg19) VCF-style: chr5-1294255-G-A.
Other names: c.746C>T, p.Thr249Met (NM_001193376.3); short protein forms T249M.
Identifiers: ClinVar variation 837027 (VCV000837027.10), dbSNP rs1174718400, ClinGen allele CA359056905.